The following is an entry in ClinVar:

NM_002691.4(POLD1):c.1057C>T (p.Leu353=)

Gene: POLD1 (DNA polymerase delta 1, catalytic subunit; plus strand). Cytogenetic location: 19q13.33.
Variant type: single nucleotide variant.
Coding change: c.1057C>T on transcript NM_002691.4 (MANE Select); coding-DNA position 1057, C replaced by T.
Protein change: p.Leu353=; no amino-acid change (leucine 353 retained).
Molecular consequence: synonymous variant. On other transcripts: non-coding transcript variant (1).
Genome position (GRCh38, 1-based): chr19:50,403,139, C>T. VCF-style: chr19-50403139-C-T. GRCh37 (hg19) VCF-style: chr19-50906396-C-T.
Other names: c.1057C>T, p.Leu353= (NM_001256849.1, NM_001308632.1); c.1057C>T (NM_002691.2).
Identifiers: ClinVar variation 755209 (VCV000755209.16), dbSNP rs1601204455, ClinGen allele CA508182669.

ClinVar aggregate classification (germline): Conflicting classifications of pathogenicity. Review status: criteria provided, conflicting classifications (1 of 4 stars). 4 submissions from 4 submitters: Uncertain significance (1); Benign (1); Likely benign (2). Last evaluated 2025-03-02.

Conditions:
Hereditary cancer-predisposing syndrome. Also called: Hereditary Cancer Syndrome; Hereditary neoplastic syndrome; Neoplastic Syndromes, Hereditary; Tumor predisposition. Identifiers: Orphanet 140162, MedGen C0027672, MeSH D009386, MONDO:0015356.
POLD1-related polyposis and colorectal cancer syndrome (CRCS10). Also called: Colorectal cancer, susceptibility to, 10; Colorectal cancer 10; COLORECTAL CANCER, SUSCEPTIBILITY TO, ON CHROMOSOME 19q. Identifiers: Orphanet 220460, MedGen C2675481, MONDO:0012953, OMIM 612591.

Submissions (4):

Ambry Genetics
Classification: Likely benign for Hereditary cancer-predisposing syndrome. Last evaluated: 2025-03-02. Review status: criteria provided, single submitter. Criteria: Ambry Variant Classification Scheme 2023. Collection method: clinical testing. Allele origin: germline.

Myriad Genetics, Inc.
Classification: Benign for POLD1-related polyposis and colorectal cancer syndrome. Last evaluated: 2025-02-05. Review status: criteria provided, single submitter. Criteria: Myriad Autosomal Dominant, Autosomal Recessive and X-Linked Classification Criteria (2023). Collection method: clinical testing. Allele origin: unknown.
Comment: This variant is considered benign. This variant is a silent/synonymous amino acid change and it is not expected to impact splicing.

Institute for Clinical Genetics, University Hospital TU Dresden, University Hospital TU Dresden
Classification: Uncertain significance. Last evaluated: 2021-11-03. Review status: criteria provided, single submitter. Criteria: ACMG Guidelines, 2015. Collection method: clinical testing. Allele origin: germline.

Labcorp Genetics (formerly Invitae), Labcorp
Classification: Likely benign for POLD1-related polyposis and colorectal cancer syndrome. Last evaluated: 2020-02-02. Review status: criteria provided, single submitter. Criteria: Invitae Variant Classification Sherloc (09022015). Collection method: clinical testing. Allele origin: germline.